The following is an entry in ClinVar:

ClinVar aggregate classification (germline): Uncertain significance (1 of 4 stars; one submission).

Conditions:
Joubert syndrome. Also called: CEREBELLOPARENCHYMAL DISORDER IV; JOUBERT-BOLTSHAUSER SYNDROME; Familial aplasia of the vermis. Identifiers: Orphanet 475, MedGen C5979921, MONDO:0018772.
Orofaciodigital syndrome I (OFD1). Also called: OFDS I; Papillon-Leage and Psaume Syndrome; Oral-Facial-Digital Syndrome Type I. Identifiers: Orphanet 2750, MedGen C1510460, MONDO:0010702, OMIM 311200.

Submission:

Labcorp Genetics (formerly Invitae), Labcorp
Classification: Uncertain significance for Orofaciodigital syndrome I; Joubert syndrome. Last evaluated: 2022-06-29. Review status: criteria provided, single submitter. Criteria: Invitae Variant Classification Sherloc (09022015). Collection method: clinical testing. Allele origin: germline.
Comment: In summary, the available evidence is currently insufficient to determine the role of this variant in disease. Therefore, it has been classified as a Variant of Uncertain Significance. Algorithms developed to predict the effect of missense changes on protein structure and function are either unavailable or do not agree on the potential impact of this missense change (SIFT: "Deleterious"; PolyPhen-2: "Benign"; Align-GVGD: "Class C0"). This variant has not been reported in the literature in individuals affected with OFD1-related conditions. This variant is not present in population databases (gnomAD no frequency). This sequence change replaces isoleucine, which is neutral and non-polar, with threonine, which is neutral and polar, at codon 282 of the OFD1 protein (p.Ile282Thr).

NM_003611.3(OFD1):c.845T>C (p.Ile282Thr)

Gene: OFD1 (OFD1 centriole and centriolar satellite protein; plus strand). Cytogenetic location: Xp22.2.
Variant type: single nucleotide variant.
Coding change: c.845T>C on transcript NM_003611.3 (MANE Select); coding-DNA position 845, T replaced by C.
Protein change: p.Ile282Thr; replaces isoleucine 282 with threonine.
Molecular consequence: missense variant.
Genome position (GRCh38, 1-based): chrX:13,749,443, T>C. VCF-style: chrX-13749443-T-C. GRCh37 (hg19) VCF-style: chrX-13767562-T-C.
Other names: c.845T>C, p.Ile282Thr (NM_001330209.2); c.425T>C, p.Ile142Thr (NM_001330210.2); short protein forms I142T, I282T.
Identifiers: ClinVar variation 2012362 (VCV002012362.4), dbSNP rs950056605, ClinGen allele CA412338724.
Genomic context (GRCh38, chrX:13,749,443, plus strand): 5'-CTTTCATTAGCTTGCTTGCTAAAAATTAATGCTTTTCTATACAGATTGAAACAAAAGAAA[T>C]TTATGCTCAAAGGCAACTTTTACTAAAAGATATGGATTTGCTAAGAGGAAGAGAAGCAGA-3'
Protein context (NP_003602.1, residues 272-292): HKHQEIETKE[Ile282Thr]YAQRQLLLKD